The following is an entry in ClinVar:

NM_024675.4(PALB2):c.2425del (p.Thr809fs)

Gene: PALB2 (partner and localizer of BRCA2; minus strand). Cytogenetic location: 16p12.2.
Variant type: Deletion.
Coding change: c.2425del on transcript NM_024675.4 (MANE Select); coding-DNA position 2425, one base deleted (A; older notation c.2425delA).
Protein change: p.Thr809fs; shifts the reading frame from threonine 809.
Molecular consequence: frameshift variant. On other transcripts: intron variant (1).
Genome position (GRCh38, 1-based): chr16:23,629,729, T deleted on the plus strand (A on the coding strand, the reverse complement: PALB2 is on the minus strand); the first of 2 consecutive T bases (chr16:23,629,729-23,629,730); deleting either gives the same sequence. VCF-style (leftmost placement, unchanged base first): chr16-23629728-GT-G. GRCh37 (hg19) VCF-style: chr16-23641049-GT-G.
Other names: c.2365del, p.Thr789fs (NM_001407296.1); c.2425del, p.Thr809fs (NM_001407297.1, NM_001407298.1, NM_001407299.1 and 3 more transcripts); c.1540del, p.Thr514fs (NM_001407304.1, NM_001407305.1, NM_001407306.1 and 5 more transcripts); c.637del, p.Thr213fs (NM_001407312.1, NM_001407313.1); c.49-454del (NM_001407314.1); short protein forms T213fs, T514fs, T789fs, T809fs.
Identifiers: ClinVar variation 2674093 (VCV002674093.1), dbSNP rs2506406330, ClinGen allele CA2695197467.

ClinVar aggregate classification (germline): Pathogenic (1 of 4 stars; one submission).

Conditions:
Familial cancer of breast. Also called: Hereditary breast cancer; BREAST CANCER, FAMILIAL; hereditary breast carcinoma. Identifiers: Orphanet 227535, MedGen C0346153, MONDO:0016419, OMIM 114480. Disease mechanism: loss of function.

Submission:

Myriad Genetics, Inc.
Classification: Pathogenic for Familial cancer of breast. Last evaluated: 2023-09-12. Review status: criteria provided, single submitter. Criteria: Myriad Autosomal Dominant, Autosomal Recessive and X-Linked Classification Criteria (2023). Collection method: clinical testing. Allele origin: unknown.
Comment: This variant is considered pathogenic. This variant creates a frameshift predicted to result in premature protein truncation.